The following is an entry in ClinVar:

ClinVar aggregate classification (germline): Pathogenic (1 of 4 stars; one submission).

Conditions:
Familial adenomatous polyposis 1 (FAP1). Also called: POLYPOSIS, ADENOMATOUS INTESTINAL; FAMILIAL ADENOMATOUS POLYPOSIS 1, ATTENUATED. Identifiers: MedGen C2713442, MONDO:0021056, OMIM 175100. Disease mechanism: loss of function.

Submission:

Labcorp Genetics (formerly Invitae), Labcorp
Classification: Pathogenic for Familial adenomatous polyposis 1. Last evaluated: 2018-08-14. Review status: criteria provided, single submitter. Criteria: Invitae Variant Classification Sherloc (09022015). Collection method: clinical testing. Allele origin: germline.
Comment: This variant is expected to disrupt the EB1 and HDLG binding sites, which mediate interactions with the cytoskeleton (PMID: 15311282, 17293347). While functional studies have not been performed to directly test the effect on APC protein function, this suggests that disruption of the C-terminal portion of the protein is functionally important. A different truncation (p.Tyr2645Lysfs*14) that lies downstream of this variant has been determined to be pathogenic (PMID: 9824584, 1316610, 27081525, 8381579, 22135120, Invitae). This suggests that deletion of this region of the APC protein is causative of disease. For these reasons, this variant has been classified as Pathogenic. This variant has not been reported in the literature in individuals with APC-related disease. This variant is not present in population databases (ExAC no frequency). This sequence change results in a premature translational stop signal in the APC gene (p.Ser2031Valfs*13). While this is not anticipated to result in nonsense mediated decay, it is expected to disrupt the last 813 amino acids of the APC protein.

Literature cited by the submitters: PubMed 15311282; PubMed 17293347; PubMed 9824584; PubMed 1316610; PubMed 27081525; PubMed 8381579; PubMed 22135120.

NM_000038.6(APC):c.6091del (p.Ser2031fs)

Gene: APC (APC regulator of Wnt signaling pathway; plus strand). Cytogenetic location: 5q22.2.
Variant type: Deletion.
Coding change: c.6091del on transcript NM_000038.6 (MANE Select); coding-DNA position 6091, one base deleted (A; older notation c.6091delA).
Protein change: p.Ser2031fs; shifts the reading frame from serine 2031.
Molecular consequence: frameshift variant.
Genome position (GRCh38, 1-based): chr5:112,841,685, A deleted. VCF-style (leftmost placement, unchanged base first): chr5-112841684-TA-T. GRCh37 (hg19) VCF-style: chr5-112177381-TA-T.
Other names: c.6091del, p.Ser2031fs (NM_001127510.3, NM_001354895.2); c.6037del, p.Ser2013fs (NM_001127511.3); c.6145del, p.Ser2049fs (NM_001354896.2); c.6121del, p.Ser2041fs (NM_001354897.2); c.6016del, p.Ser2006fs (NM_001354898.2); c.6007del, p.Ser2003fs (NM_001354899.2); c.5968del, p.Ser1990fs (NM_001354900.2); c.5914del, p.Ser1972fs (NM_001354901.2); and 5 more; short protein forms S1990fs, S1748fs, S1871fs, S1905fs, S1930fs, S2049fs, S2006fs, S2013fs.
Identifiers: ClinVar variation 659568 (VCV000659568.10), dbSNP rs1580667434, ClinGen allele CA915943505.